The following is an entry in ClinVar:

NM_000074.3(CD40LG):c.368C>T (p.Ala123Val)

Gene: CD40LG (CD40 ligand; plus strand). Cytogenetic location: Xq26.3.
Variant type: single nucleotide variant.
Coding change: c.368C>T on transcript NM_000074.3 (MANE Select); coding-DNA position 368, C replaced by T.
Protein change: p.Ala123Val; replaces alanine 123 with valine.
Molecular consequence: missense variant.
Genome position (GRCh38, 1-based): chrX:136,656,377, C>T. VCF-style: chrX-136656377-C-T. GRCh37 (hg19) VCF-style: chrX-135738536-C-T.
Other names: short protein forms A123V.
Identifiers: ClinVar variation 423253 (VCV000423253.5), dbSNP rs104894778, ClinGen allele CA16621208.

ClinVar aggregate classification (germline): Uncertain significance. Review status: criteria provided, multiple submitters, no conflicts (2 of 4 stars). 2 submissions from 2 submitters: Uncertain significance (2). Last evaluated 2022-08-02.

Conditions:
Hyper-IgM syndrome type 1. Also called: Hyper-IgM Immunodeficiency Syndrome, Type 1; CD40 Ligand Deficiency; X-linked hyper-IgM syndrome; Immunodeficiency, X-linked, with hyper-IgM. Identifiers: Orphanet 101088, MedGen C0398689, MONDO:0010626, OMIM 308230.

Allele frequency attached by ClinVar (database versions not stated): gnomAD 0.00001; gnomAD exomes 0.00001; TOPMed 0.00002.
gnomAD v4.1: 8 of 1,207,416 alleles (0.00066%); highest among the groups gnomAD compares: Admixed American, 0.0044%; no homozygotes.

Submissions (2):

Labcorp Genetics (formerly Invitae), Labcorp
Classification: Uncertain significance for Hyper-IgM syndrome type 1. Last evaluated: 2022-08-02. Review status: criteria provided, single submitter. Criteria: Invitae Variant Classification Sherloc (09022015). Collection method: clinical testing. Allele origin: germline.
Comment: Advanced modeling of protein sequence and biophysical properties (such as structural, functional, and spatial information, amino acid conservation, physicochemical variation, residue mobility, and thermodynamic stability) performed at Invitae indicates that this missense variant is expected to disrupt CD40LG protein function. ClinVar contains an entry for this variant (Variation ID: 423253). This variant has not been reported in the literature in individuals affected with CD40LG-related conditions. The frequency data for this variant in the population databases is considered unreliable, as metrics indicate poor data quality at this position in the gnomAD database. This sequence change replaces alanine, which is neutral and non-polar, with valine, which is neutral and non-polar, at codon 123 of the CD40LG protein (p.Ala123Val). This variant disrupts the p.Ala123 amino acid residue in CD40LG. Other variant(s) that disrupt this residue have been determined to be pathogenic (PMID: 8094231, 10559240, 15623492). This suggests that this residue is clinically significant, and that variants that disrupt this residue are likely to be disease-causing. In summary, the available evidence is currently insufficient to determine the role of this variant in disease. Therefore, it has been classified as a Variant of Uncertain Significance.

GeneDx
Classification: Uncertain significance. Last evaluated: 2017-02-09. Review status: criteria provided, single submitter. Criteria: GeneDx Variant Classification (06012015). Collection method: clinical testing. Allele origin: germline. Affected: yes.
Comment: The A123V variant in the CD40LG gene has not been reported previously as a pathogenic variant, nor as a benign variant, to our knowledge. However a different missense variant at this same codon (A123E) has been reported in a child with hyper-IgM syndrome (DiSanto et al., 1993). While the diagnosis of hyper-IgM was confirmed by lack of CD40LG seen in stimulated T-cells from this individual, further evidence supporting the pathogenicity of the A123E variant, such as functional studies on this specific variant, were not provided (DiSanto et al., 1993). The A123V variant is not observed in large population cohorts (Lek et al., 2016; 1000 Genomes Consortium et al., 2015; Exome Variant Server). The A123V variant is a conservative amino acid substitution, which is not likely to impact secondary protein structure as these residues share similar properties. This substitution occurs at a position that is conserved in mammals. In silico analysis is inconsistent in its predictions as to whether or not the variant is damaging to the protein structure/function. Based on the information available, we interpret A123V as a variant of uncertain clinical significance.

Literature cited by the submitters: PubMed 8094231 (cited by Labcorp Genetics (formerly Invitae), Labcorp); PubMed 10559240 (cited by Labcorp Genetics (formerly Invitae), Labcorp); PubMed 15623492 (cited by Labcorp Genetics (formerly Invitae), Labcorp).